The following is an entry in ClinVar:

NM_000380.4(XPA):c.762_778del (p.Asp255fs)

Gene: XPA (XPA, DNA damage recognition and repair factor; minus strand). Cytogenetic location: 9q22.33.
Variant type: Deletion.
Coding change: c.762_778del on transcript NM_000380.4 (MANE Select); coding-DNA positions 762 to 778, 17 bases deleted (TGACATGTACCGTAAGA).
Protein change: p.Asp255fs; shifts the reading frame from aspartic acid 255.
Molecular consequence: frameshift variant. On other transcripts: non-coding transcript variant (5).
Genome position (GRCh38, 1-based): chr9:97,675,483-97,675,499, TCTTACGGTACATGTCA deleted on the plus strand (TGACATGTACCGTAAGA on the coding strand, the reverse complement: XPA is on the minus strand); deleting any 17 consecutive bases within chr9:97,675,483-97,675,503 gives the same sequence; the c. name uses the placement nearest the transcript's 3' end. VCF-style (leftmost placement, unchanged base first): chr9-97675482-GTCTTACGGTACATGTCA-G. GRCh37 (hg19) VCF-style: chr9-100437764-GTCTTACGGTACATGTCA-G.
Other names: c.636_652del, p.Asp213fs (NM_001354975.2); short protein forms D213fs, D255fs.
Identifiers: ClinVar variation 5004233 (VCV005004233.1).
Genomic context (GRCh38, chr9:97,675,482, plus strand): 5'-GTCACTGAACTAAAAAATCACATTTTTTCATATGTCAGTTCATGGCCACACATAGTACAA[GTCTTACGGTACATGTCA>G]TCTTCTAGGTTTTCTTCTGGTCCATACTCATGTTGATGAACAATCGTCTCCCTTTTCCAC-3'

ClinVar aggregate classification (germline): Pathogenic (1 of 4 stars; one submission).

Conditions:
Xeroderma pigmentosum group A (XPA). Also called: XPA-Related Xeroderma Pigmentosum; Xeroderma pigmentosum, complementation group A; XP, group A. Identifiers: Orphanet 910, MedGen C0268135, MONDO:0010210, OMIM 278700.

Submission:

Myriad Genetics, Inc.
Classification: Pathogenic for Xeroderma pigmentosum group A. Last evaluated: 2025-10-17. Review status: criteria provided, single submitter. Criteria: Myriad Autosomal Dominant, Autosomal Recessive and X-Linked Classification Criteria (2023). Collection method: clinical testing. Allele origin: unknown.
Comment: NM_000380.3(XPA):c.762_778del17(D255Lfs*7) is a frameshift variant classified as pathogenic in the context of xeroderma pigmentosum group A. D255Lfs*7 has not been observed in cases with relevant disease. Relevant functional assessments of this variant are not available in the literature. D255Lfs*7 has not been observed in referenced population frequency databases. In summary, NM_000380.3(XPA):c.762_778del17(D255Lfs*7) is a frameshift variant in a gene where loss of function is a known mechanism of disease and is predicted to disrupt protein function. Please note: this variant was assessed in the context of healthy population screening.